The following is an entry in ClinVar:

NM_004204.5(PIGQ):c.618G>C (p.Arg206Ser)

Gene: PIGQ (phosphatidylinositol glycan anchor biosynthesis class Q; plus strand). Cytogenetic location: 16p13.3.
Variant type: single nucleotide variant.
Coding change: c.618G>C on transcript NM_004204.5 (MANE Select); coding-DNA position 618, G replaced by C.
Protein change: p.Arg206Ser; replaces arginine 206 with serine.
Molecular consequence: missense variant.
Genome position (GRCh38, 1-based): chr16:574,692, G>C. VCF-style: chr16-574692-G-C. GRCh37 (hg19) VCF-style: chr16-624692-G-C.
Other names: c.618G>C, p.Arg206Ser (NM_148920.4); c.618G>C (NM_004204.3); short protein forms R206S.
Identifiers: ClinVar variation 1005610 (VCV001005610.7), dbSNP rs1375197363, ClinGen allele CA394049794.
Genomic context (GRCh38, chr16:574,692, plus strand): 5'-GCGGCTGAGCCACTGGCAGTCGGAGGGCGTGGAGGCCAGCATCCTCGCGGAGCTGGCCAG[G>C]CGAGCCTCGGGACCCATTTGCCTGCTGTTGGCCAGCCTGCTGTCGCTGGTCTCAGCTGTC-3'
Protein context (NP_004195.2, residues 196-216): VEASILAELA[Arg206Ser]RASGPICLLL

ClinVar aggregate classification (germline): Uncertain significance (1 of 4 stars; one submission).

Conditions:
Developmental and epileptic encephalopathy, 77. Also called: GLYCOSYLPHOSPHATIDYLINOSITOL BIOSYNTHESIS DEFECT 19; MULTIPLE CONGENITAL ANOMALIES-HYPOTONIA-SEIZURES SYNDROME 4; EPILEPTIC ENCEPHALOPATHY, EARLY INFANTILE, 77. Identifiers: MedGen C5231405, MONDO:0032808, OMIM 618548.
Epilepsy. Also called: Seizure disorder. Identifiers: MedGen C0014544, MeSH D004827, MONDO:0005027.

Allele frequency attached by ClinVar (database versions not stated): gnomAD exomes 0.00001; TOPMed 0.00001.
gnomAD v4.1: 4 of 1,602,316 alleles (0.00025%); highest among the groups gnomAD compares: Non-Finnish European, 0.00034%; no homozygotes.

Submission:

Labcorp Genetics (formerly Invitae), Labcorp
Classification: Uncertain significance for Epilepsy. Last evaluated: 2021-10-08. Review status: criteria provided, single submitter. Criteria: Invitae Variant Classification Sherloc (09022015). Collection method: clinical testing. Allele origin: germline.
Comment: In summary, the available evidence is currently insufficient to determine the role of this variant in disease. Therefore, it has been classified as a Variant of Uncertain Significance. This sequence change replaces arginine with serine at codon 206 of the PIGQ protein (p.Arg206Ser). The arginine residue is weakly conserved and there is a moderate physicochemical difference between arginine and serine. This variant is not present in population databases (ExAC no frequency). This variant has not been reported in the literature in individuals affected with PIGQ-related conditions. Algorithms developed to predict the effect of missense changes on protein structure and function (SIFT, PolyPhen-2, Align-GVGD) all suggest that this variant is likely to be tolerated.